The following is an entry in ClinVar:

NM_001267550.2(TTN):c.80457G>A (p.Met26819Ile)

Genes: TTN (titin; minus strand), TTN-AS1 (TTN antisense RNA 1; plus strand). Cytogenetic location: 2q31.2.
Variant type: single nucleotide variant.
Coding change: c.80457G>A on transcript NM_001267550.2 (MANE Select); coding-DNA position 80457, G replaced by A.
Protein change: p.Met26819Ile; replaces methionine 26819 with isoleucine.
Molecular consequence: missense variant.
Genome position (GRCh38, 1-based): chr2:178,565,675, C>T on the plus strand (G>A on the coding strand, the complement: TTN is on the minus strand). VCF-style: chr2-178565675-C-T. GRCh37 (hg19) VCF-style: chr2-179430402-C-T.
Other names: p.Met24251Ile; c.75534G>A, p.Met25178Ile (NM_001256850.1); c.53262G>A, p.Met17754Ile (NM_003319.4); c.72753G>A, p.Met24251Ile (NM_133378.4); c.53637G>A, p.Met17879Ile (NM_133432.3); c.53838G>A, p.Met17946Ile (NM_133437.4); short protein forms M25178I, M17946I, M26819I, M17879I, M24251I, M17754I.
Identifiers: ClinVar variation 1746845 (VCV001746845.5), dbSNP rs749446343, ClinGen allele CA1989343.

ClinVar aggregate classification (germline): Conflicting classifications of pathogenicity. Review status: criteria provided, conflicting classifications (1 of 4 stars). 4 submissions from 4 submitters: Uncertain significance (2); Likely benign (2). Last evaluated 2025-04-09.

Conditions:
Cardiovascular phenotype. Identifiers: MedGen CN230736.

Allele frequency attached by ClinVar (database versions not stated): ExAC 0.00001; gnomAD 0.00002; TOPMed 0.00002; gnomAD exomes 0.00003.
gnomAD v4.1: 21 of 1,613,496 alleles (0.0013%); highest among the groups gnomAD compares: Admixed American, 0.0017%; no homozygotes.

Submissions (4):

Molecular Diagnostic Laboratory for Inherited Cardiovascular Disease, Montreal Heart Institute
Classification: Likely benign. Last evaluated: 2025-04-09. Review status: criteria provided, single submitter. Criteria: ACMG Guidelines, 2015. Collection method: clinical testing. Allele origin: germline. Affected: no.

Mayo Clinic Laboratories, Mayo Clinic
Classification: Uncertain significance. Last evaluated: 2023-04-13. Review status: criteria provided, single submitter. Criteria: ACMG Guidelines, 2015. Collection method: clinical testing. Allele origin: germline. Observed: 1 variant allele.

Blueprint Genetics
Classification: Likely benign. Last evaluated: 2022-09-30. Review status: criteria provided, single submitter. Criteria: ACMG Guidelines, 2015. Collection method: clinical testing. Allele origin: germline.

Ambry Genetics
Classification: Uncertain significance for Cardiovascular phenotype. Last evaluated: 2019-12-27. Review status: criteria provided, single submitter. Criteria: Ambry Variant Classification Scheme 2023. Collection method: clinical testing. Allele origin: germline.
Comment: The p.M17754I variant (also known as c.53262G>A), located in coding exon 153 of the TTN gene, results from a G to A substitution at nucleotide position 53262. The methionine at codon 17754 is replaced by isoleucine, an amino acid with highly similar properties. This amino acid position is highly conserved in available vertebrate species. In addition, this alteration is predicted to be tolerated by in silico analysis. Since supporting evidence is limited at this time, the clinical significance of this alteration remains unclear.